The following is an entry in ClinVar:

NM_201596.3(CACNB2):c.1202C>T (p.Pro401Leu)

Gene: CACNB2 (calcium voltage-gated channel auxiliary subunit beta 2; plus strand). Cytogenetic location: 10p12.31.
Variant type: single nucleotide variant.
Coding change: c.1202C>T on transcript NM_201596.3 (MANE Select); coding-DNA position 1202, C replaced by T.
Protein change: p.Pro401Leu; replaces proline 401 with leucine.
Molecular consequence: missense variant.
Genome position (GRCh38, 1-based): chr10:18,534,223, C>T. VCF-style: chr10-18534223-C-T. GRCh37 (hg19) VCF-style: chr10-18823152-C-T.
Other names: c.1037C>T, p.Pro346Leu (NM_000724.4); c.1004C>T, p.Pro335Leu (NM_001167945.2); c.923C>T, p.Pro308Leu (NM_001330060.2); c.944C>T, p.Pro315Leu (NM_001410882.1); c.1058C>T, p.Pro353Leu (NM_201570.3); c.1118C>T, p.Pro373Leu (NM_201571.4); c.1046C>T, p.Pro349Leu (NM_201572.4); c.1040C>T, p.Pro347Leu (NM_201590.3); and 2 more; short protein forms P308L, P315L, P335L, P346L, P347L, P349L, P353L, P363L.
Identifiers: ClinVar variation 4868123 (VCV004868123.1).

ClinVar aggregate classification (germline): Uncertain significance (1 of 4 stars; one submission).

Conditions:
Cardiovascular phenotype. Identifiers: MedGen CN230736.

gnomAD v4.1: 4 of 1,612,262 alleles (0.00025%); highest among the groups gnomAD compares: Admixed American, 0.0017%; no homozygotes.

Submission:

Ambry Genetics
Classification: Uncertain significance for Cardiovascular phenotype. Last evaluated: 2026-03-29. Review status: criteria provided, single submitter. Criteria: Ambry Variant Classification Scheme 2023. Collection method: clinical testing. Allele origin: germline.
Comment: The p.P347L variant (also known as c.1040C>T), located in coding exon 10 of the CACNB2 gene, results from a C to T substitution at nucleotide position 1040. The proline at codon 347 is replaced by leucine, an amino acid with similar properties. This amino acid position is conserved. In addition, this alteration is predicted to be deleterious by in silico analysis. Based on the available evidence, the clinical significance of this variant remains unclear.